The following is an entry in ClinVar:

ClinVar aggregate classification (germline): Uncertain significance (1 of 4 stars; one submission).

Conditions:
Hereditary breast ovarian cancer syndrome. Also called: BRCA1- and BRCA2-Associated Hereditary Breast and Ovarian Cancer; Hereditary breast and/or ovarian cancer syndrome; Hereditary breast and ovarian cancer syndrome; Hereditary breast and ovarian cancer; Hereditary breast and ovarian cancer syndrome (HBOC); Breast and ovarian cancer. Identifiers: Orphanet 145, MedGen C0677776, MeSH D061325, MONDO:0003582. Disease mechanism: loss of function.

Submission:

Labcorp Genetics (formerly Invitae), Labcorp
Classification: Uncertain significance for Hereditary breast ovarian cancer syndrome. Last evaluated: 2020-10-11. Review status: criteria provided, single submitter. Criteria: Invitae Variant Classification Sherloc (09022015). Collection method: clinical testing. Allele origin: germline.
Comment: Advanced modeling of protein sequence and biophysical properties (such as structural, functional, and spatial information, amino acid conservation, physicochemical variation, residue mobility, and thermodynamic stability) performed at Invitae indicates that this missense variant is not expected to disrupt BRCA2 protein function. This variant has not been reported in the literature in individuals with BRCA2-related conditions. This variant is not present in population databases (ExAC no frequency). This sequence change replaces glycine with glutamic acid at codon 25 of the BRCA2 protein (p.Gly25Glu). The glycine residue is highly conserved and there is a moderate physicochemical difference between glycine and glutamic acid. In summary, the available evidence is currently insufficient to determine the role of this variant in disease. Therefore, it has been classified as a Variant of Uncertain Significance.

NM_000059.4(BRCA2):c.74G>A (p.Gly25Glu)

Gene: BRCA2 (BRCA2 DNA repair associated; plus strand). Cytogenetic location: 13q13.1.
Variant type: single nucleotide variant.
Coding change: c.74G>A on transcript NM_000059.4 (MANE Select); coding-DNA position 74, G replaced by A.
Protein change: p.Gly25Glu; replaces glycine 25 with glutamic acid.
Molecular consequence: missense variant.
Genome position (GRCh38, 1-based): chr13:32,319,083, G>A. VCF-style: chr13-32319083-G-A. GRCh37 (hg19) VCF-style: chr13-32893220-G-A.
Other names: short protein forms G25E.
Identifiers: ClinVar variation 1017516 (VCV001017516.9), dbSNP rs2072284044, ClinGen allele CA387754038.
Genomic context (GRCh38, chr13:32,319,083, plus strand): 5'-CACAAATTTGTCTGTCACTGGTTAAAACTAAGGTGGGATTTTTTTTTTAAATAGATTTAG[G>A]ACCAATAAGTCTTAATTGGTTTGAAGAACTTTCTTCAGAAGCTCCACCCTATAATTCTGA-3'
Protein context (NP_000050.3, residues 15-35): FKTRCNKADL[Gly25Glu]PISLNWFEEL